The following is an entry in ClinVar:

ClinVar aggregate classification (germline): Uncertain significance (1 of 4 stars; one submission).

Conditions:
Autosomal recessive limb-girdle muscular dystrophy type 2L (LGMDR12). Also called: MUSCULAR DYSTROPHY, LIMB-GIRDLE, AUTOSOMAL RECESSIVE 12; Limb-girdle muscular dystrophy, type 2L; Limb-Girdle Muscular Dystrophy R12 Anoctamin-5-Related (LGMD-R12). Identifiers: Orphanet 206549, MedGen C1969785, MONDO:0012652, OMIM 611307.
Miyoshi muscular dystrophy 3 (MMD3). Also called: Miyoshi myopathy 3; Miyoshi Muscular Dystrophy 3 (MMD3). Identifiers: Orphanet 399096, MedGen C2750076, MONDO:0013222, OMIM 613319.

Submission:

Juno Genomics, Hangzhou Juno Genomics, Inc
Classification: Uncertain significance for Miyoshi muscular dystrophy 3; Autosomal recessive limb-girdle muscular dystrophy type 2L. Review status: criteria provided, single submitter. Criteria: ACMG Guidelines, 2015. Collection method: clinical testing. Allele origin: germline. Affected: yes.
Comment: Absent from controls (or at extremely low frequency if recessive) in Genome Aggregation Database.;Multiple lines of computational evidence support a deleterious effect on the gene or gene product.;For recessive disorders, detected in trans with a pathogenic variant.;Patient's phenotype or family history is highly specific for a disease with a single genetic etiology.

NM_213599.3(ANO5):c.294+5G>T

Gene: ANO5 (anoctamin 5; plus strand). Cytogenetic location: 11p14.3.
Variant type: single nucleotide variant.
Coding change: c.294+5G>T on transcript NM_213599.3 (MANE Select); 5 bases into the intron after coding-DNA position 294, G replaced by T.
Molecular consequence: intron variant.
Genome position (GRCh38, 1-based): chr11:22,221,215, G>T. VCF-style: chr11-22221215-G-T. GRCh37 (hg19) VCF-style: chr11-22242761-G-T.
Other names: c.216+5G>T (NM_001441294.1); c.174+5G>T (NM_001441297.1); c.213+5G>T (NM_001441295.1); c.252+5G>T (NM_001410963.1, NM_001441300.1, NM_001441298.1); c.291+5G>T (NM_001142649.2); c.249+5G>T (NM_001410964.1, NM_001441301.1, NM_001441299.1); c.201+5G>T (NM_001441296.1, NM_001441302.1).
Identifiers: ClinVar variation 5019132 (VCV005019132.1).